The following is an entry in ClinVar:

NM_000443.4(ABCB4):c.2609C>G (p.Ser870Ter)

Gene: ABCB4 (ATP binding cassette subfamily B member 4; minus strand). Cytogenetic location: 7q21.12.
Variant type: single nucleotide variant.
Coding change: c.2609C>G on transcript NM_000443.4 (MANE Select); coding-DNA position 2609, C replaced by G.
Protein change: p.Ser870Ter; replaces serine 870 with a stop codon.
Molecular consequence: nonsense.
Genome position (GRCh38, 1-based): chr7:87,417,385, G>C on the plus strand (C>G on the coding strand, the complement: ABCB4 is on the minus strand). VCF-style: chr7-87417385-G-C. GRCh37 (hg19) VCF-style: chr7-87046701-G-C.
Other names: c.2609C>G, p.Ser870Ter (NM_018849.3, NM_018850.3); short protein forms S870*.
Identifiers: ClinVar variation 2820526 (VCV002820526.3), dbSNP rs2546772331, ClinGen allele CA368061268.
Genomic context (GRCh38, chr7:87,417,385, plus strand): 5'-TCCAGTTCTTTTTTATCTCTTTTGGCATTTCCAGCCAACAATTTCATTTCAACAATTCCT[G>C]ACACAGCAATAATTGGAACAACTGCTAATAGCAATAGGGTTAACTGCCAACCGTAGATAA-3'

ClinVar aggregate classification (germline): Pathogenic (1 of 4 stars; one submission).

Submission:

Labcorp Genetics (formerly Invitae), Labcorp
Classification: Pathogenic. Last evaluated: 2023-04-09. Review status: criteria provided, single submitter. Criteria: Invitae Variant Classification Sherloc (09022015). Collection method: clinical testing. Allele origin: germline.
Comment: For these reasons, this variant has been classified as Pathogenic. Algorithms developed to predict the effect of sequence changes on RNA splicing suggest that this variant may disrupt the consensus splice site. This variant has not been reported in the literature in individuals affected with ABCB4-related conditions. This variant is not present in population databases (gnomAD no frequency). This sequence change creates a premature translational stop signal (p.Ser870*) in the ABCB4 gene. It is expected to result in an absent or disrupted protein product. Loss-of-function variants in ABCB4 are known to be pathogenic (PMID: 17726488, 25755532).

Literature cited by the submitters: PubMed 17726488; PubMed 25755532.